The following is an entry in ClinVar:

NM_000458.4(HNF1B):c.906C>T (p.Asn302=)

Gene: HNF1B (HNF1 homeobox B; minus strand). Cytogenetic location: 17q12.
Variant type: single nucleotide variant.
Coding change: c.906C>T on transcript NM_000458.4 (MANE Select); coding-DNA position 906, C replaced by T.
Protein change: p.Asn302=; no amino-acid change (asparagine 302 retained).
Molecular consequence: synonymous variant.
Genome position (GRCh38, 1-based): chr17:37,731,734, G>A on the plus strand (C>T on the coding strand, the complement: HNF1B is on the minus strand). VCF-style: chr17-37731734-G-A. GRCh37 (hg19) VCF-style: chr17-36091725-G-A.
Other names: c.828C>T, p.Asn276= (NM_001165923.4, NM_001304286.2); c.906C>T, p.Asn302= (NM_001411100.1).
Identifiers: ClinVar variation 3029422 (VCV003029422.2), dbSNP rs2511801571, ClinGen allele CA398746778.

ClinVar aggregate classification (germline): Likely benign (0 of 4 stars; one submission).

Conditions:
HNF1B-related disorder. Also called: HNF1B-related disorders; HNF1B-related condition.

Submission:

PreventionGenetics, part of Exact Sciences
Classification: Likely benign for HNF1B-related condition. Last evaluated: 2021-11-04. Review status: no assertion criteria provided. Collection method: clinical testing. Allele origin: germline.
Comment: This variant is classified as likely benign based on ACMG/AMP sequence variant interpretation guidelines (Richards et al. 2015 PMID: 25741868, with internal and published modifications).